The following is an entry in ClinVar:

NM_000214.3(JAG1):c.442C>A (p.Pro148Thr)

Gene: JAG1 (jagged canonical Notch ligand 1; minus strand). Cytogenetic location: 20p12.2.
Variant type: single nucleotide variant.
Coding change: c.442C>A on transcript NM_000214.3 (MANE Select); coding-DNA position 442, C replaced by A.
Protein change: p.Pro148Thr; replaces proline 148 with threonine.
Molecular consequence: missense variant.
Genome position (GRCh38, 1-based): chr20:10,658,720, G>T on the plus strand (C>A on the coding strand, the complement: JAG1 is on the minus strand). VCF-style: chr20-10658720-G-T. GRCh37 (hg19) VCF-style: chr20-10639368-G-T.
Other names: short protein forms P148T.
Identifiers: ClinVar variation 3573036 (VCV003573036.2).

Conditions:
Arteriohepatic dysplasia. Also called: Alagille Syndrome. Identifiers: Orphanet 52, MedGen C0085280, MeSH D016738, MONDO:0007318.

Submission:

Gilbert/Spinner Lab, Children's Hospital of Philadelphia
No classification provided (evidence only). Condition: Alagille syndrome. Review status: no classification provided. Collection method: research. Allele origin: not applicable. Functional consequence: functionally_abnormal.
ClinVar note: "not provided" was previously submitted as the classification for the variant. However, the classification appeared to be based only on an observation of functional data so it was converted to no classification on 2025-07-30.